The following is an entry in ClinVar:

ClinVar aggregate classification (germline): Likely benign (1 of 4 stars; one submission).

Allele frequency attached by ClinVar (database versions not stated): gnomAD exomes 0.00023; ExAC 0.00078; gnomAD 0.00219; TOPMed 0.00261; ESP Exome Variant Server 0.00300; 1000 Genomes Project 0.00419; 1000 Genomes Project 30x 0.00453.
gnomAD v4.1: 640 of 1,458,786 alleles (0.044%); highest among the groups gnomAD compares: African/African-American, 0.79%; 4 homozygotes.

Submission:

CeGaT Center for Human Genetics Tuebingen
Classification: Likely benign. Last evaluated: 2026-05-01. Review status: criteria provided, single submitter. Criteria: CeGaT Center For Human Genetics Tuebingen Variant Classification Criteria Version 2. Collection method: clinical testing. Allele origin: germline. Affected: yes. Observed: 3 variant alleles.
Comment: NF1: BS1

NM_001042492.3(NF1):c.5813-43A>G

Gene: NF1 (neurofibromin 1; plus strand). Cytogenetic location: 17q11.2.
Variant type: single nucleotide variant.
Coding change: c.5813-43A>G on transcript NM_001042492.3 (MANE Select); 43 bases into the intron before coding-DNA position 5813, A replaced by G.
Molecular consequence: intron variant.
Genome position (GRCh38, 1-based): chr17:31,334,795, A>G. VCF-style: chr17-31334795-A-G. GRCh37 (hg19) VCF-style: chr17-29661813-A-G.
Other names: c.5750-43A>G (NM_000267.4).
Identifiers: ClinVar variation 1711434 (VCV001711434.30), dbSNP rs150458700, ClinGen allele CA8487260.